The following is an entry in ClinVar:

ClinVar aggregate classification (germline): Uncertain significance. Review status: criteria provided, multiple submitters, no conflicts (2 of 4 stars). 4 submissions from 4 submitters: Uncertain significance (4). Last evaluated 2024-10-29.

Conditions:
Cardiovascular phenotype. Identifiers: MedGen CN230736.
Glycogen storage disease, type II (IOPD). Also called: POMPE DISEASE, INFANTILE-ONSET; GLYCOGEN STORAGE DISEASE II, INFANTILE-ONSET; ACID ALPHA-GLUCOSIDASE DEFICIENCY, INFANTILE-ONSET; GAA DEFICIENCY, INFANTILE-ONSET; ACID MALTASE DEFICIENCY, INFANTILE-ONSET; Glucosidase acid-1,4-alpha deficiency. Identifiers: Orphanet 365, MedGen C0017921, MONDO:0009290, OMIM 232300.

Allele frequency attached by ClinVar (database versions not stated): gnomAD 0.00001; gnomAD exomes 0.00001; TOPMed 0.00001.
gnomAD v4.1: 12 of 1,612,780 alleles (0.00074%); highest among the groups gnomAD compares: Non-Finnish European, 0.001%; no homozygotes.

Submissions (4):

Labcorp Genetics (formerly Invitae), Labcorp
Classification: Uncertain significance for Glycogen storage disease, type II. Last evaluated: 2024-10-29. Review status: criteria provided, single submitter. Criteria: Invitae Variant Classification Sherloc (09022015). Collection method: clinical testing. Allele origin: germline.
Comment: This sequence change replaces methionine, which is neutral and non-polar, with valine, which is neutral and non-polar, at codon 841 of the GAA protein (p.Met841Val). This variant is not present in population databases (gnomAD no frequency). This missense change has been observed in individual(s) with clinical features of GAA-related conditions (internal data). ClinVar contains an entry for this variant (Variation ID: 456409). Invitae Evidence Modeling of protein sequence and biophysical properties (such as structural, functional, and spatial information, amino acid conservation, physicochemical variation, residue mobility, and thermodynamic stability) indicates that this missense variant is not expected to disrupt GAA protein function with a negative predictive value of 95%. In summary, the available evidence is currently insufficient to determine the role of this variant in disease. Therefore, it has been classified as a Variant of Uncertain Significance.

Blueprint Genetics
Classification: Uncertain significance. Last evaluated: 2023-11-10. Review status: criteria provided, single submitter. Criteria: ACMG Guidelines, 2015. Collection method: clinical testing. Allele origin: germline.

Ambry Genetics
Classification: Uncertain significance for Cardiovascular phenotype. Last evaluated: 2021-09-07. Review status: criteria provided, single submitter. Criteria: Ambry Variant Classification Scheme 2023. Collection method: clinical testing. Allele origin: germline.
Comment: The p.M841V variant (also known as c.2521A>G), located in coding exon 17 of the GAA gene, results from an A to G substitution at nucleotide position 2521. The methionine at codon 841 is replaced by valine, an amino acid with highly similar properties. This amino acid position is conserved. In addition, this alteration is predicted to be tolerated by in silico analysis. Since supporting evidence is limited at this time, the clinical significance of this alteration remains unclear.

Fulgent Genetics
Classification: Uncertain significance for Glycogen storage disease, type II. Last evaluated: 2021-09-04. Review status: criteria provided, single submitter. Criteria: ACMG Guidelines, 2015. Collection method: clinical testing. Allele origin: unknown.

NM_000152.5(GAA):c.2521A>G (p.Met841Val)

Gene: GAA (alpha glucosidase; plus strand). Cytogenetic location: 17q25.3.
Variant type: single nucleotide variant.
Coding change: c.2521A>G on transcript NM_000152.5 (MANE Select); coding-DNA position 2521, A replaced by G.
Protein change: p.Met841Val; replaces methionine 841 with valine.
Molecular consequence: missense variant.
Genome position (GRCh38, 1-based): chr17:80,118,232, A>G. VCF-style: chr17-80118232-A-G. GRCh37 (hg19) VCF-style: chr17-78092031-A-G.
Other names: c.2521A>G, p.Met841Val (NM_001079803.3, NM_001079804.3); c.2521A>G (LRG_673t1); short protein forms M841V.
Identifiers: ClinVar variation 456409 (VCV000456409.14), dbSNP rs1184116513, ClinGen allele CA401326059.